The following is an entry in ClinVar:

NM_003098.3(SNTA1):c.851C>G (p.Ala284Gly)

Gene: SNTA1 (syntrophin alpha 1; minus strand). Cytogenetic location: 20q11.21.
Variant type: single nucleotide variant.
Coding change: c.851C>G on transcript NM_003098.3 (MANE Select); coding-DNA position 851, C replaced by G.
Protein change: p.Ala284Gly; replaces alanine 284 with glycine.
Molecular consequence: missense variant.
Genome position (GRCh38, 1-based): chr20:33,412,633, G>C on the plus strand (C>G on the coding strand, the complement: SNTA1 is on the minus strand). VCF-style: chr20-33412633-G-C. GRCh37 (hg19) VCF-style: chr20-32000439-G-C.
Other names: c.851C>G, p.Ala284Gly (NM_001424413.1, NM_001424414.1); short protein forms A284G.
Identifiers: ClinVar variation 4781559 (VCV004781559.1).

ClinVar aggregate classification (germline): Uncertain significance (1 of 4 stars; one submission).

Conditions:
Long QT syndrome (LQTS). Identifiers: MedGen C0023976, MeSH D008133, MONDO:0002442. Disease mechanism: loss of function. Inheritance: Various modes of inheritance.

gnomAD v4.1: 1 of 1,613,976 alleles (0.000062%); highest among the groups gnomAD compares: Admixed American, 0.0017%; no homozygotes.

Submission:

Labcorp Genetics (formerly Invitae), Labcorp
Classification: Uncertain significance for Long QT syndrome. Last evaluated: 2026-02-02. Review status: criteria provided, single submitter. Criteria: Invitae Variant Classification Sherloc (09022015). Collection method: clinical testing. Allele origin: germline.
Comment: This sequence change replaces alanine, which is neutral and non-polar, with glycine, which is neutral and non-polar, at codon 284 of the SNTA1 protein (p.Ala284Gly). This variant is present in population databases (no rsID available, gnomAD 0.003%). This variant has not been reported in the literature in individuals affected with SNTA1-related conditions. Invitae Evidence Modeling of protein sequence and biophysical properties (such as structural, functional, and spatial information, amino acid conservation, physicochemical variation, residue mobility, and thermodynamic stability) indicates that this missense variant is not expected to disrupt SNTA1 protein function with a negative predictive value of 80%. In summary, the available evidence is currently insufficient to determine the role of this variant in disease. Therefore, it has been classified as a Variant of Uncertain Significance.